The following is an entry in ClinVar:

NM_001100.4(ACTA1):c.1132T>C (p.Ter378Gln)

Gene: ACTA1 (actin alpha 1, skeletal muscle; minus strand). Cytogenetic location: 1q42.13.
Variant type: single nucleotide variant.
Coding change: c.1132T>C on transcript NM_001100.4 (MANE Select); coding-DNA position 1132, T replaced by C.
Protein change: p.Ter378Gln.
Molecular consequence: stop lost.
Genome position (GRCh38, 1-based): chr1:229,431,501, A>G on the plus strand (T>C on the coding strand, the complement: ACTA1 is on the minus strand). VCF-style: chr1-229431501-A-G. GRCh37 (hg19) VCF-style: chr1-229567248-A-G.
Other names: *378Q.
Identifiers: ClinVar variation 532768 (VCV000532768.9), dbSNP rs1553255288, ClinGen allele CA345144029.

ClinVar aggregate classification (germline): Pathogenic (1 of 4 stars; one submission).

Conditions:
Actin accumulation myopathy (CMYO2A). Also called: Myopathy, actin, congenital, with cores; Nemaline myopathy 3, with intranuclear rods; Nemaline myopathy type 3; Myopathy, actin, congenital, with excess of thin myofilaments; CONGENITAL MYOPATHY 2A, TYPICAL, AUTOSOMAL DOMINANT. Identifiers: Orphanet 98904, MedGen C3711389, MONDO:0008070, OMIM 161800.

Submission:

Labcorp Genetics (formerly Invitae), Labcorp
Classification: Pathogenic for Actin accumulation myopathy. Last evaluated: 2022-02-04. Review status: criteria provided, single submitter. Criteria: Invitae Variant Classification Sherloc (09022015). Collection method: clinical testing. Allele origin: germline.
Comment: For these reasons, this variant has been classified as Pathogenic. Algorithms developed to predict the effect of sequence changes on RNA splicing suggest that this variant may create or strengthen a splice site. Experimental studies have shown that this protein extension affects ACTA1 function (PMID: 16945536). Algorithms developed to predict the effect of variants on protein structure and function are not available or were not evaluated for this variant. ClinVar contains an entry for this variant (Variation ID: 532768). This protein extension has been observed in individuals with autosomal dominant nemaline myopathy (PMID: 16945536; Invitae). This variant is not present in population databases (gnomAD no frequency). This sequence change disrupts the translational stop signal of the ACTA1 mRNA. It is expected to extend the length of the ACTA1 protein by 47 additional amino acid residues.

Literature cited by the submitters: PubMed 16945536.